The following is an entry in ClinVar:

ClinVar aggregate classification (germline): Likely pathogenic. Review status: criteria provided, multiple submitters, no conflicts (2 of 4 stars). 2 submissions from 2 submitters: Likely pathogenic (2). Last evaluated 2023-02-01.

Conditions:
DDHD2-related disorder. Also called: DDHD2-related condition.

Allele frequency attached by ClinVar (database versions not stated): gnomAD exomes below 0.00001 and 0.00001; ExAC 0.00002.

Submissions (2):

Blueprint Genetics
Classification: Likely pathogenic for DDHD2-related disorders. Last evaluated: 2023-02-01. Review status: criteria provided, single submitter. Criteria: ACMG Guidelines, 2015. Collection method: clinical testing. Allele origin: germline. Affected: yes. Observed: 1 variant allele.

GeneDx
Classification: Likely pathogenic. Last evaluated: 2019-11-18. Review status: criteria provided, single submitter. Criteria: GeneDx Variant Classification Process June 2021. Collection method: clinical testing. Allele origin: germline. Affected: yes.
Comment: Nonsense variant predicted to result in protein truncation or nonsense mediated decay in a gene for which loss-of-function is a known mechanism of disease; Not observed at a significant frequency in large population cohorts (Lek et al., 2016); Has not been previously published as pathogenic or benign to our knowledge

NM_015214.3(DDHD2):c.1264C>T (p.Arg422Ter)

Gene: DDHD2 (DDHD domain containing 2; plus strand). Cytogenetic location: 8p11.23.
Variant type: single nucleotide variant.
Coding change: c.1264C>T on transcript NM_015214.3 (MANE Select); coding-DNA position 1264, C replaced by T.
Protein change: p.Arg422Ter; replaces arginine 422 with a stop codon.
Molecular consequence: nonsense. On other transcripts: non-coding transcript variant (2).
Genome position (GRCh38, 1-based): chr8:38,249,723, C>T. VCF-style: chr8-38249723-C-T. GRCh37 (hg19) VCF-style: chr8-38107241-C-T.
Other names: c.1264C>T, p.Arg422Ter (NM_001164232.2, NM_001362911.2, NM_001362912.2 and 1 more transcripts); c.1174C>T, p.Arg392Ter (NM_001362913.2); short protein forms R392*, R422*.
Identifiers: ClinVar variation 1202525 (VCV001202525.4), dbSNP rs746455223, ClinGen allele CA4716201.